The following is an entry in ClinVar:

ClinVar aggregate classification (germline): Likely pathogenic (1 of 4 stars; one submission).

Conditions:
Familial thoracic aortic aneurysm and aortic dissection (TAAD). Also called: Thoracic aortic aneurysms and dissections. Identifiers: Orphanet 91387, MedGen C4707243, MONDO:0019625.

Submission:

Ambry Genetics
Classification: Likely pathogenic for Familial thoracic aortic aneurysm and aortic dissection. Last evaluated: 2017-06-12. Review status: criteria provided, single submitter. Criteria: Ambry Variant Classification Scheme 2023. Collection method: clinical testing. Allele origin: germline.
Comment: The p.C533* variant (also known as c.1599T>A), located in coding exon 7 of the TGFBR2 gene, results from a T to A substitution at nucleotide position 1599. This changes the amino acid from a cysteine to a stop codon within coding exon 7. This stop codon occurs at the 3' terminus of TGFBR2 and is not expected to trigger nonsense-mediated decay. However, this variant eliminates the last 35 amino acids, including 12 amino acids in the protein kinase domain. Multiple nonsense and missense alterations in the C-terminal end of the kinase domain have been associated with Loeys-Dietz syndrome (LDS) or LDS-related phenotypes (e.g., p.R495*, p.W521*, p.C533R, p.C533F, p.C537R and p.C537P) (Loeys BL et al. N. Engl. J. Med. 2006;355:788-98; Stheneur C et al. Hum. Mutat. 2008;29:E284-95; Horbelt D et al. J. Cell. Sci. 2010;123:4340-50). Based on the majority of available evidence to date, this variant is likely to be pathogenic.

Literature cited by the submitters: PubMed 15235604; PubMed 16928994; PubMed 18781618; PubMed 21098638; PubMed 7664267; PubMed 8246946.

NM_003242.6(TGFBR2):c.1599T>A (p.Cys533Ter)

Gene: TGFBR2 (transforming growth factor beta receptor 2; plus strand). Cytogenetic location: 3p24.1.
Variant type: single nucleotide variant.
Coding change: c.1599T>A on transcript NM_003242.6 (MANE Select); coding-DNA position 1599, T replaced by A.
Protein change: p.Cys533Ter; replaces cysteine 533 with a stop codon.
Molecular consequence: nonsense.
Genome position (GRCh38, 1-based): chr3:30,691,494, T>A. VCF-style: chr3-30691494-T-A. GRCh37 (hg19) VCF-style: chr3-30732986-T-A.
Other names: c.729T>A, p.Cys243Ter (NM_001407139.1); c.1674T>A, p.Cys558Ter (NM_001024847.3); c.1782T>A, p.Cys594Ter (NM_001407126.1); c.1707T>A, p.Cys569Ter (NM_001407127.1); c.1626T>A, p.Cys542Ter (NM_001407128.1); c.1602T>A, p.Cys534Ter (NM_001407129.1); c.1596T>A, p.Cys532Ter (NM_001407130.1); c.1494T>A, p.Cys498Ter (NM_001407132.1, NM_001407133.1, NM_001407134.1 and 2 more transcripts); and 2 more; short protein forms C534*, C594*, C243*, C533*, C438*, C532*, C558*, C413*.
Identifiers: ClinVar variation 1776068 (VCV001776068.2), dbSNP rs2125455394, ClinGen allele CA351809637.